The following is an entry in ClinVar:

NM_003482.4(KMT2D):c.5563C>G (p.Pro1855Ala)

Gene: KMT2D (lysine methyltransferase 2D; minus strand). Cytogenetic location: 12q13.12.
Variant type: single nucleotide variant.
Coding change: c.5563C>G on transcript NM_003482.4 (MANE Select); coding-DNA position 5563, C replaced by G.
Protein change: p.Pro1855Ala; replaces proline 1855 with alanine.
Molecular consequence: missense variant.
Genome position (GRCh38, 1-based): chr12:49,043,157, G>C on the plus strand (C>G on the coding strand, the complement: KMT2D is on the minus strand). VCF-style: chr12-49043157-G-C. GRCh37 (hg19) VCF-style: chr12-49436940-G-C.
Other names: short protein forms P1855A.
Identifiers: ClinVar variation 2986373 (VCV002986373.5), dbSNP rs1943618325, ClinGen allele CA384630085.

ClinVar aggregate classification (germline): Uncertain significance. Review status: criteria provided, single submitter (1 of 4 stars). 2 submissions from 2 submitters: Uncertain significance (1). 1 of the submissions does not count toward it. Last evaluated 2023-04-06.

Conditions:
KMT2D-related disorder. Also called: KMT2D-Related Disorders.
Kabuki syndrome. Also called: NIIKAWA-KUROKI SYNDROME; Kabuki make-up syndrome. Identifiers: Orphanet 2322, MedGen C0796004, MONDO:0016512.

Submissions (2):

Labcorp Genetics (formerly Invitae), Labcorp
Classification: Uncertain significance for Kabuki syndrome. Last evaluated: 2023-04-06. Review status: criteria provided, single submitter. Criteria: Invitae Variant Classification Sherloc (09022015). Collection method: clinical testing. Allele origin: germline.
Comment: In summary, the available evidence is currently insufficient to determine the role of this variant in disease. Therefore, it has been classified as a Variant of Uncertain Significance. Advanced modeling of protein sequence and biophysical properties (such as structural, functional, and spatial information, amino acid conservation, physicochemical variation, residue mobility, and thermodynamic stability) performed at Invitae indicates that this missense variant is not expected to disrupt KMT2D protein function. This variant has not been reported in the literature in individuals affected with KMT2D-related conditions. This variant is not present in population databases (gnomAD no frequency). This sequence change replaces proline, which is neutral and non-polar, with alanine, which is neutral and non-polar, at codon 1855 of the KMT2D protein (p.Pro1855Ala).

PreventionGenetics, part of Exact Sciences
Classification: Uncertain significance for KMT2D-related condition. Last evaluated: 2023-10-31. Review status: no assertion criteria provided. Collection method: clinical testing. Allele origin: germline. Not counted in ClinVar's aggregate classification.
Comment: The KMT2D c.5563C>G variant is predicted to result in the amino acid substitution p.Pro1855Ala. To our knowledge, this variant has not been reported in the literature or in a large population database, indicating this variant is rare. At this time, the clinical significance of this variant is uncertain due to the absence of conclusive functional and genetic evidence.